The following is an entry in ClinVar:

NM_000038.6(APC):c.934-19A>C

Gene: APC (APC regulator of Wnt signaling pathway; plus strand). Cytogenetic location: 5q22.2.
Variant type: single nucleotide variant.
Coding change: c.934-19A>C on transcript NM_000038.6 (MANE Select); 19 bases into the intron before coding-DNA position 934, A replaced by C.
Molecular consequence: intron variant.
Genome position (GRCh38, 1-based): chr5:112,818,947, A>C. VCF-style: chr5-112818947-A-C. GRCh37 (hg19) VCF-style: chr5-112154644-A-C.
Other names: c.85-19A>C (NM_001407470.1, NM_001354906.2); c.85-322A>C (NM_001407472.1, NM_001407471.1); c.934-19A>C (NM_001407447.1, NM_001354895.2, NM_001407448.1 and 4 more transcripts); c.934-322A>C (NM_001407456.1, NM_001407460.1, NM_001407457.1 and 5 more transcripts); c.850-19A>C (NM_001407452.1, NM_001354899.2); c.850-322A>C (NM_001407469.1, NM_001407467.1); c.964-19A>C (NM_001407446.1, NM_001354897.2); c.964-322A>C (NM_001354902.2); and 5 more.
Identifiers: ClinVar variation 2718266 (VCV002718266.4), dbSNP rs2149778404, ClinGen allele CA2697546397.

ClinVar aggregate classification (germline): Likely benign. Review status: criteria provided, multiple submitters, no conflicts (2 of 4 stars). 2 submissions from 2 submitters: Likely benign (2). Last evaluated 2024-02-29.

Conditions:
Familial adenomatous polyposis 1 (FAP1). Also called: FAMILIAL ADENOMATOUS POLYPOSIS 1, ATTENUATED; POLYPOSIS, ADENOMATOUS INTESTINAL. Identifiers: MedGen C2713442, MONDO:0021056, OMIM 175100. Disease mechanism: loss of function.

Submissions (2):

Myriad Genetics, Inc.
Classification: Likely benign for Familial adenomatous polyposis 1. Last evaluated: 2024-02-29. Review status: criteria provided, single submitter. Criteria: Myriad Autosomal Dominant, Autosomal Recessive and X-Linked Classification Criteria (2023). Collection method: clinical testing. Allele origin: unknown.
Comment: This variant is considered likely benign. This variant is intronic and is not expected to impact mRNA splicing.

Labcorp Genetics (formerly Invitae), Labcorp
Classification: Likely benign for Familial adenomatous polyposis 1. Last evaluated: 2023-12-14. Review status: criteria provided, single submitter. Criteria: Invitae Variant Classification Sherloc (09022015). Collection method: clinical testing. Allele origin: germline.